The following is an entry in ClinVar:

NM_000712.4(BLVRA):c.154G>A (p.Asp52Asn)

Gene: BLVRA (biliverdin reductase A; plus strand). Cytogenetic location: 7p13.
Variant type: single nucleotide variant.
Coding change: c.154G>A on transcript NM_000712.4 (MANE Select); coding-DNA position 154, G replaced by A.
Protein change: p.Asp52Asn; replaces aspartic acid 52 with asparagine.
Molecular consequence: missense variant.
Genome position (GRCh38, 1-based): chr7:43,791,268, G>A. VCF-style: chr7-43791268-G-A. GRCh37 (hg19) VCF-style: chr7-43830867-G-A.
Other names: c.154G>A, p.Asp52Asn (NM_001253823.2); c.154G>A (NM_000712.3); short protein forms D52N.
Identifiers: ClinVar variation 2142367 (VCV002142367.6), dbSNP rs142693095, ClinGen allele CA4234020.
Genomic context (GRCh38, chr7:43,791,268, plus strand): 5'-TGTCTACCATTGAGTTCCATTTCTCTGTTACTCTGAAATAGAAGGGAGCTCGGGAGCATT[G>A]ATGGAGTCCAGCAGATTTCTTTGGAGGATGCTCTTTCCAGCCAAGAGGTGGAGGTCGCCT-3'
Protein context (NP_000703.2, residues 42-62): FVSRRELGSI[Asp52Asn]GVQQISLEDA

ClinVar aggregate classification (germline): Conflicting classifications of pathogenicity. Review status: criteria provided, conflicting classifications (1 of 4 stars). 3 submissions from 3 submitters: Uncertain significance (1); Likely benign (2). Last evaluated 2026-03-24.

Conditions:
BLVRA-related disorder. Also called: BLVRA-related condition.

Allele frequency attached by ClinVar (database versions not stated): gnomAD exomes 0.00007; ExAC 0.00023; gnomAD 0.00064; ESP Exome Variant Server 0.00077; TOPMed 0.00079; 1000 Genomes Project 30x 0.00109; 1000 Genomes Project 0.00120.

Submissions (3):

PreventionGenetics, part of Exact Sciences
Classification: Likely benign for BLVRA-related condition. Last evaluated: 2026-03-24. Review status: criteria provided, single submitter. Criteria: ACMG Guidelines, 2015. Collection method: clinical testing. Allele origin: germline.
Comment: This variant is classified as likely benign based on ACMG/AMP sequence variant interpretation guidelines (Richards et al. 2015 PMID: 25741868, with internal and published modifications).

Labcorp Genetics (formerly Invitae), Labcorp
Classification: Likely benign. Last evaluated: 2025-10-07. Review status: criteria provided, single submitter. Criteria: Invitae Variant Classification Sherloc (09022015). Collection method: clinical testing. Allele origin: germline.

Ambry Genetics
Classification: Uncertain significance. Last evaluated: 2021-10-12. Review status: criteria provided, single submitter. Criteria: Ambry Variant Classification Scheme 2023. Collection method: clinical testing. Allele origin: germline.